The following is an entry in ClinVar:

NM_001277115.2(DNAH11):c.3000+3A>G

Genes: DNAH11 (dynein axonemal heavy chain 11; plus strand), LOC126859961 (BRD4-independent group 4 enhancer GRCh37_chr7:21639662-21640861; plus strand). Cytogenetic location: 7p15.3.
Variant type: single nucleotide variant.
Coding change: c.3000+3A>G on transcript NM_001277115.2 (MANE Select); 3 bases into the intron after coding-DNA position 3000, A replaced by G.
Molecular consequence: intron variant.
Genome position (GRCh38, 1-based): chr7:21,600,122, A>G. VCF-style: chr7-21600122-A-G. GRCh37 (hg19) VCF-style: chr7-21639740-A-G.
Identifiers: ClinVar variation 1477720 (VCV001477720.9), dbSNP rs781625159, ClinGen allele CA4179484.

ClinVar aggregate classification (germline): Uncertain significance. Review status: criteria provided, multiple submitters, no conflicts (2 of 4 stars). 3 submissions from 3 submitters: Uncertain significance (2). 1 of the submissions does not count toward it. Last evaluated 2023-01-12.

Conditions:
Primary ciliary dyskinesia 7. Also called: CILIARY DYSKINESIA, PRIMARY, 7, WITH OR WITHOUT SITUS INVERSUS. Identifiers: Orphanet 244, MedGen C2678473, MONDO:0012748, OMIM 611884.
Primary ciliary dyskinesia. Also called: Ciliary dyskinesia. Identifiers: Orphanet 244, MedGen C0008780, MONDO:0016575, HP:0012265.

Allele frequency attached by ClinVar (database versions not stated): gnomAD exomes below 0.00001 and 0.00001; ExAC 0.00001.
gnomAD v4.1: 2 of 1,539,762 alleles (0.00013%); highest among the groups gnomAD compares: South Asian, 0.0026%; no homozygotes.

Submissions (3):

GeneDx
Classification: Uncertain significance. Last evaluated: 2023-01-12. Review status: criteria provided, single submitter. Criteria: GeneDx Variant Classification Process June 2021. Collection method: clinical testing. Allele origin: germline. Affected: yes.
Comment: In silico analysis supports a deleterious effect on splicing; Has not been previously published as pathogenic or benign to our knowledge

Labcorp Genetics (formerly Invitae), Labcorp
Classification: Uncertain significance for Primary ciliary dyskinesia. Last evaluated: 2021-10-24. Review status: criteria provided, single submitter. Criteria: Invitae Variant Classification Sherloc (09022015). Collection method: clinical testing. Allele origin: germline.
Comment: In summary, the available evidence is currently insufficient to determine the role of this variant in disease. Therefore, it has been classified as a Variant of Uncertain Significance. Variants that disrupt the consensus splice site are a relatively common cause of aberrant splicing (PMID: 17576681, 9536098). Algorithms developed to predict the effect of sequence changes on RNA splicing suggest that this variant may disrupt the consensus splice site. This variant has not been reported in the literature in individuals affected with DNAH11-related conditions. This variant is present in population databases (rs781625159, ExAC 0.009%). This sequence change falls in intron 15 of the DNAH11 gene. It does not directly change the encoded amino acid sequence of the DNAH11 protein. It affects a nucleotide within the consensus splice site.

Undiagnosed Diseases Network, NIH
Classification: Uncertain significance for Primary ciliary dyskinesia 7. Last evaluated: 2024-01-23. Review status: no assertion criteria provided. Collection method: clinical testing. Allele origin: maternal. Affected: yes. Observed: 1 variant allele, 1 compound heterozygote. Study: Undiagnosed Diseases Network (NIH), UDN. Not counted in ClinVar's aggregate classification.

Literature cited by the submitters: PubMed 17576681 (cited by Labcorp Genetics (formerly Invitae), Labcorp); PubMed 9536098 (cited by Labcorp Genetics (formerly Invitae), Labcorp).